The following is an entry in ClinVar:

ClinVar aggregate classification (germline): Conflicting classifications of pathogenicity. Review status: criteria provided, conflicting classifications (1 of 4 stars). 7 submissions from 7 submitters: Uncertain significance (6); Benign (1). Last evaluated 2026-01-28.

Conditions:
CDKN1B-related disorder. Also called: CDKN1B-related condition.
Hereditary cancer-predisposing syndrome. Also called: Neoplastic Syndromes, Hereditary; Tumor predisposition; Hereditary Cancer Syndrome; Hereditary neoplastic syndrome. Identifiers: Orphanet 140162, MedGen C0027672, MeSH D009386, MONDO:0015356.
Multiple endocrine neoplasia type 4. Also called: MULTIPLE ENDOCRINE NEOPLASIA, TYPE IV. Identifiers: Orphanet 276152, MedGen C1970712, MONDO:0012552, OMIM 610755.

Allele frequency attached by ClinVar (database versions not stated): gnomAD exomes 0.00006 and 0.00008; ExAC 0.00008; ESP Exome Variant Server 0.00008; gnomAD 0.00009; TOPMed 0.00012; 1000 Genomes Project 30x 0.00016; 1000 Genomes Project 0.00020.

Submissions (7):

PreventionGenetics, part of Exact Sciences
Classification: Uncertain significance for CDKN1B-related condition. Last evaluated: 2026-01-28. Review status: criteria provided, single submitter. Criteria: ACMG Guidelines, 2015. Collection method: clinical testing. Allele origin: germline.
Comment: The CDKN1B c.125C>T variant is predicted to result in the amino acid substitution p.Thr42Ile. This variant was reported in an individual with breast cancer (Gifoni et al. 2022. PubMed ID: 35957908). This variant is reported in 0.029% of alleles in individuals of Latino descent in gnomAD, which is more common than expected for a primary cause of disease. This variant has conflicting interpretations in ClinVar of uncertain and benign (Variation ID: 404278). The affected amino acid resides within the cyclin-dependent kinase inhibitor domain. Although we suspect that this variant may be benign, at this time the clinical significance of this variant is uncertain due to the absence of conclusive functional and genetic evidence.

Labcorp Genetics (formerly Invitae), Labcorp
Classification: Uncertain significance for Multiple endocrine neoplasia type 4. Last evaluated: 2026-01-13. Review status: criteria provided, single submitter. Criteria: Invitae Variant Classification Sherloc (09022015). Collection method: clinical testing. Allele origin: germline.
Comment: This sequence change replaces threonine, which is neutral and polar, with isoleucine, which is neutral and non-polar, at codon 42 of the CDKN1B protein (p.Thr42Ile). This variant is present in population databases (rs200422211, gnomAD 0.04%), and has an allele count higher than expected for a pathogenic variant. This missense change has been observed in individual(s) with breast cancer (PMID: 35957908). ClinVar contains an entry for this variant (Variation ID: 404278). An algorithm developed to predict the effect of missense changes on protein structure and function (PolyPhen-2) suggests that this variant is likely to be tolerated. In summary, the available evidence is currently insufficient to determine the role of this variant in disease. Therefore, it has been classified as a Variant of Uncertain Significance.

Quest Diagnostics Nichols Institute San Juan Capistrano
Classification: Uncertain significance. Last evaluated: 2025-10-08. Review status: criteria provided, single submitter. Criteria: Quest Diagnostics criteria. Collection method: clinical testing. Allele origin: unknown.
Comment: The CDKN1B c.125C>T (p.Thr42Ile) variant has been reported in the published literature in an individual with breast cancer (PMID: 35957908 (2022)). The frequency of this variant in the general population (Genome Aggregation Database) is higher than would generally be expected for pathogenic variants in this gene. Analysis of this variant using bioinformatics tools for the prediction of the effect of amino acid changes on protein structure and function yielded conflicting predictions that this variant is benign or damaging. Based on the available information, we are unable to determine the clinical significance of this variant.

St. Jude Molecular Pathology, St. Jude Children's Research Hospital
Classification: Uncertain significance for Multiple endocrine neoplasia type 4. Last evaluated: 2023-10-20. Review status: criteria provided, single submitter. Criteria: St. Jude Assertion Criteria 2020. Collection method: clinical testing. Allele origin: germline.
Comment: The CDKN1B c.125C>T (p.Thr42Ile) missense change has a maximum subpopulation frequency of 0.029% in gnomAD v2.1.1. The in silico tool REVEL predicts a benign effect on protein function, but to our knowledge this prediction has not been confirmed by functional studies. To our knowledge, this variant has not been reported in the literature in individuals with multiple endocrine neoplasia type 4. In summary, the evidence currently available is insufficient to determine the clinical significance of this variant. It has therefore been classified as of uncertain significance.

Ambry Genetics
Classification: Benign for Hereditary cancer-predisposing syndrome. Last evaluated: 2023-06-15. Review status: criteria provided, single submitter. Criteria: Ambry Variant Classification Scheme 2023. Collection method: clinical testing. Allele origin: germline.

GeneDx
Classification: Uncertain significance. Last evaluated: 2022-11-21. Review status: criteria provided, single submitter. Criteria: GeneDx Variant Classification Process June 2021. Collection method: clinical testing. Allele origin: germline. Affected: yes.
Comment: In silico analysis supports that this missense variant has a deleterious effect on protein structure/function; Has not been previously published as pathogenic or benign to our knowledge; This variant is associated with the following publications: (PMID: 26603463, 30065701, 22722193)

Sema4
Classification: Uncertain significance for Hereditary cancer-predisposing syndrome. Last evaluated: 2021-08-24. Review status: criteria provided, single submitter. Criteria: Sema4 Curation Guidelines. Collection method: curation. Allele origin: germline.
Comment: To the best of our knowledge, the CDKN1B c.125C>T (p.T42I) variant has not been reported in individuals with CDKN1B-related disease. This variant was observed in 10/34592 chromosomes in the Latino subpopulation, with no homozygotes, according to the Genome Aggregation Database (PMID: 32461654) and has been reported in ClinVar (Variation ID: 404278). Functional studies have not been performed, and in silico predictions of the variant's effect on protein function are inconclusive. Based on the current evidence available, this variant is interpreted as a variant of uncertain significance.

Literature cited by the submitters: PubMed 35957908 (cited by Labcorp Genetics (formerly Invitae), Labcorp and Quest Diagnostics Nichols Institute San Juan Capistrano); PubMed 30065701 (cited by Quest Diagnostics Nichols Institute San Juan Capistrano).

NM_004064.5(CDKN1B):c.125C>T (p.Thr42Ile)

Gene: CDKN1B (cyclin dependent kinase inhibitor 1B; plus strand). Cytogenetic location: 12p13.1.
Variant type: single nucleotide variant.
Coding change: c.125C>T on transcript NM_004064.5 (MANE Select); coding-DNA position 125, C replaced by T.
Protein change: p.Thr42Ile; replaces threonine 42 with isoleucine.
Molecular consequence: missense variant.
Genome position (GRCh38, 1-based): chr12:12,717,964, C>T. VCF-style: chr12-12717964-C-T. GRCh37 (hg19) VCF-style: chr12-12870898-C-T.
Other names: short protein forms T42I.
Identifiers: ClinVar variation 404278 (VCV000404278.20), dbSNP rs200422211, ClinGen allele CA6457385.